The following is an entry in ClinVar:

ClinVar aggregate classification (germline): Uncertain significance. Review status: criteria provided, multiple submitters, no conflicts (2 of 4 stars). 2 submissions from 2 submitters: Uncertain significance (2). Last evaluated 2024-11-04.

Allele frequency attached by ClinVar (database versions not stated): gnomAD 0.00001; TOPMed 0.00001; ExAC 0.00002; gnomAD exomes 0.00002.
gnomAD v4.1: 29 of 1,613,694 alleles (0.0018%); highest among the groups gnomAD compares: Non-Finnish European, 0.0022%; no homozygotes.

Submissions (2):

Labcorp Genetics (formerly Invitae), Labcorp
Classification: Uncertain significance. Last evaluated: 2024-11-04. Review status: criteria provided, single submitter. Criteria: Invitae Variant Classification Sherloc (09022015). Collection method: clinical testing. Allele origin: germline.
Comment: This sequence change replaces methionine, which is neutral and non-polar, with valine, which is neutral and non-polar, at codon 314 of the HTRA1 protein (p.Met314Val). This variant is present in population databases (rs758342671, gnomAD 0.002%). This missense change has been observed in individual(s) with lacunar stroke (PMID: 31719132). ClinVar contains an entry for this variant (Variation ID: 1806841). Invitae Evidence Modeling of protein sequence and biophysical properties (such as structural, functional, and spatial information, amino acid conservation, physicochemical variation, residue mobility, and thermodynamic stability) has been performed for this missense variant. However, the output from this modeling did not meet the statistical confidence thresholds required to predict the impact of this variant on HTRA1 protein function. In summary, the available evidence is currently insufficient to determine the role of this variant in disease. Therefore, it has been classified as a Variant of Uncertain Significance.

Athena Diagnostics
Classification: Uncertain significance. Last evaluated: 2022-05-18. Review status: criteria provided, single submitter. Criteria: Athena Diagnostics Criteria. Collection method: clinical testing. Allele origin: unknown.

Literature cited by the submitters: PubMed 31719132 (cited by Labcorp Genetics (formerly Invitae), Labcorp and Athena Diagnostics).

NM_002775.5(HTRA1):c.940A>G (p.Met314Val)

Gene: HTRA1 (HtrA serine peptidase 1; plus strand). Cytogenetic location: 10q26.13.
Variant type: single nucleotide variant.
Coding change: c.940A>G on transcript NM_002775.5 (MANE Select); coding-DNA position 940, A replaced by G.
Protein change: p.Met314Val; replaces methionine 314 with valine.
Molecular consequence: missense variant.
Genome position (GRCh38, 1-based): chr10:122,506,853, A>G. VCF-style: chr10-122506853-A-G. GRCh37 (hg19) VCF-style: chr10-124266369-A-G.
Other names: short protein forms M314V.
Identifiers: ClinVar variation 1806841 (VCV001806841.6), dbSNP rs758342671, ClinGen allele CA5725971.